The following is an entry in ClinVar:

NM_000138.5(FBN1):c.1192A>C (p.Arg398=)

Gene: FBN1 (fibrillin 1; minus strand). Cytogenetic location: 15q21.1.
Variant type: single nucleotide variant.
Coding change: c.1192A>C on transcript NM_000138.5 (MANE Select); coding-DNA position 1192, A replaced by C.
Protein change: p.Arg398=; no amino-acid change (arginine 398 retained).
Molecular consequence: synonymous variant.
Genome position (GRCh38, 1-based): chr15:48,516,318, T>G on the plus strand (A>C on the coding strand, the complement: FBN1 is on the minus strand). VCF-style: chr15-48516318-T-G. GRCh37 (hg19) VCF-style: chr15-48808515-T-G.
Identifiers: ClinVar variation 922146 (VCV000922146.4), dbSNP rs397515754, ClinGen allele CA490028427.

ClinVar aggregate classification (germline): Likely benign. Review status: criteria provided, single submitter (1 of 4 stars). 2 submissions from 2 submitters: Likely benign (1). 1 of the submissions does not count toward it. Last evaluated 2018-11-09.

Conditions:
Familial thoracic aortic aneurysm and aortic dissection (TAAD). Also called: Thoracic aortic aneurysms and dissections. Identifiers: Orphanet 91387, MedGen C4707243, MONDO:0019625.
FBN1-related disorder. Also called: FBN1-related disorders.

Submissions (2):

Color Diagnostics, LLC DBA Color Health
Classification: Likely benign for Familial thoracic aortic aneurysm and aortic dissection. Last evaluated: 2018-11-09. Review status: criteria provided, single submitter. Criteria: ACMG Guidelines, 2015. Collection method: clinical testing. Allele origin: germline.

PreventionGenetics, part of Exact Sciences
Classification: Likely benign for FBN1-related condition. Last evaluated: 2023-06-13. Review status: no assertion criteria provided. Collection method: clinical testing. Allele origin: germline. Not counted in ClinVar's aggregate classification.
Comment: This variant is classified as likely benign based on ACMG/AMP sequence variant interpretation guidelines (Richards et al. 2015 PMID: 25741868, with internal and published modifications).